The following is an entry in ClinVar:

ClinVar aggregate classification (germline): Likely benign. Review status: criteria provided, single submitter (1 of 4 stars). 2 submissions from 2 submitters: Likely benign (1). 1 of the submissions does not count toward it. Last evaluated 2020-01-21.

Conditions:
Smith-Lemli-Opitz syndrome (SLOS). Also called: 7-Dehydrocholesterol reductase deficiency; LETHAL ACRODYSGENITAL SYNDROME; POLYDACTYLY, SEX REVERSAL, RENAL HYPOPLASIA, AND UNILOBAR LUNG; RSH SYNDROME; RUTLEDGE LETHAL MULTIPLE CONGENITAL ANOMALY SYNDROME. Identifiers: Orphanet 818, MedGen C0175694, MONDO:0010035, OMIM 270400.
DHCR7-related disorder. Also called: DHCR7-related condition.

Allele frequency attached by ClinVar (database versions not stated): gnomAD exomes below 0.00001.
gnomAD v4.1: 1 of 1,612,222 alleles (0.000062%); highest among the groups gnomAD compares: Non-Finnish European, 0.000085%; no homozygotes.

Submissions (2):

Labcorp Genetics (formerly Invitae), Labcorp
Classification: Likely benign for Smith-Lemli-Opitz syndrome. Last evaluated: 2020-01-21. Review status: criteria provided, single submitter. Criteria: Invitae Variant Classification Sherloc (09022015). Collection method: clinical testing. Allele origin: germline.

PreventionGenetics, part of Exact Sciences
Classification: Likely benign for DHCR7-related condition. Last evaluated: 2023-01-20. Review status: no assertion criteria provided. Collection method: clinical testing. Allele origin: germline. Not counted in ClinVar's aggregate classification.
Comment: This variant is classified as likely benign based on ACMG/AMP sequence variant interpretation guidelines (Richards et al. 2015 PMID: 25741868, with internal and published modifications).

NM_001360.3(DHCR7):c.1416T>G (p.Pro472=)

Gene: DHCR7 (7-dehydrocholesterol reductase; minus strand). Cytogenetic location: 11q13.4.
Variant type: single nucleotide variant.
Coding change: c.1416T>G on transcript NM_001360.3 (MANE Select); coding-DNA position 1416, T replaced by G.
Protein change: p.Pro472=; no amino-acid change (proline 472 retained).
Molecular consequence: synonymous variant.
Genome position (GRCh38, 1-based): chr11:71,435,387, A>C on the plus strand (T>G on the coding strand, the complement: DHCR7 is on the minus strand). VCF-style: chr11-71435387-A-C. GRCh37 (hg19) VCF-style: chr11-71146433-A-C.
Other names: c.1416T>G (NM_001360.2); c.1416T>G, p.Pro472= (NM_001163817.2).
Identifiers: ClinVar variation 1084648 (VCV001084648.11), dbSNP rs2135939380, ClinGen allele CA475565488.